The following is an entry in ClinVar:

NM_016156.6(MTMR2):c.894A>T (p.Glu298Asp)

Gene: MTMR2 (myotubularin related protein 2; minus strand). Cytogenetic location: 11q21.
Variant type: single nucleotide variant.
Coding change: c.894A>T on transcript NM_016156.6 (MANE Select); coding-DNA position 894, A replaced by T.
Protein change: p.Glu298Asp; replaces glutamic acid 298 with aspartic acid.
Molecular consequence: missense variant.
Genome position (GRCh38, 1-based): chr11:95,849,773, T>A on the plus strand (A>T on the coding strand, the complement: MTMR2 is on the minus strand). VCF-style: chr11-95849773-T-A. GRCh37 (hg19) VCF-style: chr11-95582937-T-A.
Other names: c.678A>T, p.Glu226Asp (NM_001243571.2, NM_201278.3, NM_201281.3); short protein forms E298D, E226D.
Identifiers: ClinVar variation 476877 (VCV000476877.26), dbSNP rs200898934, ClinGen allele CA6240177.

ClinVar aggregate classification (germline): Uncertain significance. Review status: criteria provided, multiple submitters, no conflicts (2 of 4 stars). 8 submissions from 8 submitters: Uncertain significance (8). Last evaluated 2025-03-06.

Conditions:
MTMR2-related disorder. Also called: MTMR2-related condition.
Charcot-Marie-Tooth disease. Also called: Charcot-Marie-Tooth Neuropathy; Charcot-Marie-Tooth Hereditary Neuropathy. Identifiers: Orphanet 166, MedGen C0007959, MONDO:0015626.
Inborn genetic diseases. Identifiers: MedGen C0950123, MeSH D030342.
Charcot-Marie-Tooth disease type 4. Also called: Charcot-Marie-Tooth disease, type IV; Charcot-Marie-Tooth, Type 4. Identifiers: Orphanet 64749, MedGen C4082197, MONDO:0018995.
Charcot-Marie-Tooth disease type 4B1. Also called: CHARCOT-MARIE-TOOTH DISEASE, AUTOSOMAL RECESSIVE, WITH FOCALLY FOLDED MYELIN SHEATHS, AUTOSOMAL RECESSIVE, TYPE 4B1; CHARCOT-MARIE-TOOTH DISEASE, TYPE 4B; Charcot-Marie-Tooth Neuropathy Type 4B1; CHARCOT-MARIE-TOOTH DISEASE, DEMYELINATING, TYPE 4B1. Identifiers: Orphanet 99955, MedGen C1832399, MONDO:0011066, OMIM 601382.

Allele frequency attached by ClinVar (database versions not stated): ExAC 0.00006; gnomAD 0.00006 and 0.00007; gnomAD exomes 0.00006 and 0.00010; TOPMed 0.00006; ESP Exome Variant Server 0.00015.
gnomAD v4.1: 163 of 1,614,034 alleles (0.01%); highest among the groups gnomAD compares: Non-Finnish European, 0.013%; no homozygotes.

Submissions (8):

PreventionGenetics, part of Exact Sciences
Classification: Uncertain significance for MTMR2-related condition. Last evaluated: 2025-03-06. Review status: criteria provided, single submitter. Criteria: ACMG Guidelines, 2015. Collection method: clinical testing. Allele origin: germline.
Comment: The MTMR2 c.894A>T variant is predicted to result in the amino acid substitution p.Glu298Asp. This variant was reported as a variant of uncertain significance in a large cohort study of individuals with Charcot-Marie-Tooth disease (Supp. Table 2, Volodarsky et al. 2021. PubMed ID: 32376792). This variant is reported in 0.010% of alleles in individuals of European (Non-Finnish) descent in gnomAD. At this time, the clinical significance of this variant is uncertain due to the absence of conclusive functional and genetic evidence.

ARUP Laboratories, Molecular Genetics and Genomics, ARUP Laboratories
Classification: Uncertain significance for Charcot-Marie-Tooth disease type 4B1. Last evaluated: 2023-10-06. Review status: criteria provided, single submitter. Criteria: ARUP Molecular Germline Variant Investigation Process 2024. Collection method: clinical testing. Allele origin: germline.
Comment: The MTMR2 c.894A>T; p.Glu298Asp variant (rs200898934) is reported in the literature in an individual with Charcot-Marie-Tooth disease (Volodarsky 2021). This variant is also reported in ClinVar (Variation ID: 476877). It is observed in the general population with an overall allele frequency of 0.005% (15/282608 alleles) in the Genome Aggregation Database. Computational analyses are uncertain whether this variant is neutral or deleterious (REVEL: 0.298). Due to limited information, the clinical significance of this variant is uncertain at this time. References: Volodarsky M et al. Comprehensive genetic sequence and copy number analysis for Charcot-Marie-Tooth disease in a Canadian cohort of 2517 patients. J Med Genet. 2021 Apr;58(4):284-288. PMID: 32376792.

Mayo Clinic Laboratories, Mayo Clinic
Classification: Uncertain significance. Last evaluated: 2022-11-22. Review status: criteria provided, single submitter. Criteria: ACMG Guidelines, 2015. Collection method: clinical testing. Allele origin: germline. Observed: 3 variant alleles.

Labcorp Genetics (formerly Invitae), Labcorp
Classification: Uncertain significance for Charcot-Marie-Tooth disease type 4. Last evaluated: 2022-07-22. Review status: criteria provided, single submitter. Criteria: Invitae Variant Classification Sherloc (09022015). Collection method: clinical testing. Allele origin: germline.
Comment: This sequence change replaces glutamic acid, which is acidic and polar, with aspartic acid, which is acidic and polar, at codon 298 of the MTMR2 protein (p.Glu298Asp). The frequency data for this variant in the population databases is considered unreliable, as metrics indicate poor data quality at this position in the gnomAD database. This missense change has been observed in individual(s) with clinical features of Charcot-Marie-Tooth disease (PMID: 32376792). ClinVar contains an entry for this variant (Variation ID: 476877). Algorithms developed to predict the effect of missense changes on protein structure and function output the following: SIFT: "Tolerated"; PolyPhen-2: "Benign"; Align-GVGD: "Class C0". The aspartic acid amino acid residue is found in multiple mammalian species, which suggests that this missense change does not adversely affect protein function. In summary, the available evidence is currently insufficient to determine the role of this variant in disease. Therefore, it has been classified as a Variant of Uncertain Significance.

Athena Diagnostics
Classification: Uncertain significance. Last evaluated: 2022-03-18. Review status: criteria provided, single submitter. Criteria: Athena Diagnostics Criteria. Collection method: clinical testing. Allele origin: unknown.

Ambry Genetics
Classification: Uncertain significance for Inborn genetic diseases. Last evaluated: 2019-12-17. Review status: criteria provided, single submitter. Criteria: Ambry Variant Classification Scheme 2023. Collection method: clinical testing. Allele origin: germline.
Comment: The p.E298D variant (also known as c.894A>T), located in coding exon 9 of the MTMR2 gene, results from an A to T substitution at nucleotide position 894. The glutamic acid at codon 298 is replaced by aspartic acid, an amino acid with highly similar properties. This amino acid position is well conserved in available vertebrate species; however, aspartic acid is the reference amino acid in other vertebrate species. In addition, this alteration is predicted to be tolerated by in silico analysis. Since supporting evidence is limited at this time, the clinical significance of this alteration remains unclear.

Illumina Laboratory Services, Illumina
Classification: Uncertain significance for Charcot-Marie-Tooth disease type 4B1. Last evaluated: 2018-01-13. Review status: criteria provided, single submitter. Criteria: ICSL Variant Classification Criteria 13 December 2019. Collection method: clinical testing. Allele origin: germline.

Molecular Genetics Laboratory, London Health Sciences Centre
Classification: Uncertain significance for Charcot-Marie-Tooth disease. Review status: criteria provided, single submitter. Criteria: ACMG Guidelines, 2015. Collection method: clinical testing. Allele origin: germline. Affected: yes.

Literature cited by the submitters: PubMed 32376792 (cited by 3 submitters).